The following is an entry in ClinVar:

NM_016417.3(GLRX5):c.336del (p.Tyr113fs)

Gene: GLRX5 (glutaredoxin 5; plus strand). Cytogenetic location: 14q32.13.
Variant type: Deletion.
Coding change: c.336del on transcript NM_016417.3 (MANE Select); coding-DNA position 336, one base deleted (G; older notation c.336delG).
Protein change: p.Tyr113fs; shifts the reading frame from tyrosine 113.
Molecular consequence: frameshift variant.
Genome position (GRCh38, 1-based): chr14:95,543,987, G deleted. VCF-style (leftmost placement, unchanged base first): chr14-95543986-TG-T. GRCh37 (hg19) VCF-style: chr14-96010323-TG-T.
Other names: short protein forms Y113fs.
Identifiers: ClinVar variation 4281748 (VCV004281748.1).

ClinVar aggregate classification (germline): Uncertain significance (1 of 4 stars; one submission).

Submission:

GeneDx
Classification: Uncertain significance. Last evaluated: 2025-04-11. Review status: criteria provided, single submitter. Criteria: GeneDx Variant Classification Process June 2021. Collection method: clinical testing. Allele origin: germline. Affected: yes.
Comment: Not observed at significant frequency in large population cohorts (gnomAD); Has not been previously published as pathogenic or benign to our knowledge; Frameshift variant predicted to result in abnormal protein length as the last 45 amino acid(s) are replaced with 6 different amino acid(s) with an unclear effect on protein function